The following is an entry in ClinVar:

ClinVar aggregate classification (germline): Uncertain significance (1 of 4 stars; one submission).

gnomAD v4.1: 11 of 1,610,966 alleles (0.00068%); highest among the groups gnomAD compares: South Asian, 0.0022%; no homozygotes.

Submission:

Labcorp Genetics (formerly Invitae), Labcorp
Classification: Uncertain significance. Last evaluated: 2024-08-08. Review status: criteria provided, single submitter. Criteria: Invitae Variant Classification Sherloc (09022015). Collection method: clinical testing. Allele origin: germline.
Comment: This sequence change falls in intron 45 of the FOCAD gene. It does not directly change the encoded amino acid sequence of the FOCAD protein. It affects a nucleotide within the consensus splice site. This variant is present in population databases (rs566784794, gnomAD 0.007%). This variant has not been reported in the literature in individuals affected with FOCAD-related conditions. Variants that disrupt the consensus splice site are a relatively common cause of aberrant splicing (PMID: 17576681, 9536098). Algorithms developed to predict the effect of sequence changes on RNA splicing suggest that this variant may disrupt the consensus splice site. In summary, the available evidence is currently insufficient to determine the role of this variant in disease. Therefore, it has been classified as a Variant of Uncertain Significance.

Literature cited by the submitters: PubMed 17576681; PubMed 9536098.

NM_001375567.1(FOCAD):c.5332+3A>G

Gene: FOCAD (focadhesin; plus strand). Cytogenetic location: 9p21.3.
Variant type: single nucleotide variant.
Coding change: c.5332+3A>G on transcript NM_001375567.1 (MANE Select); 3 bases into the intron after coding-DNA position 5332, A replaced by G.
Molecular consequence: intron variant.
Genome position (GRCh38, 1-based): chr9:20,993,331, A>G. VCF-style: chr9-20993331-A-G. GRCh37 (hg19) VCF-style: chr9-20993330-A-G.
Other names: c.5332+3A>G (NM_017794.5); c.5227+3A>G (NM_001375568.1, NM_001375570.1).
Identifiers: ClinVar variation 3650768 (VCV003650768.2).